The following is an entry in ClinVar:

NM_007078.3(LDB3):c.896+6669TC[8]

Gene: LDB3 (LIM domain binding 3; plus strand). Cytogenetic location: 10q23.2.
Variant type: Microsatellite.
Coding change: c.896+6669TC[8] on transcript NM_007078.3 (MANE Select); eight copies in a row of the 2-base unit TC starting at c.896+6669.
Molecular consequence: intron variant.
Genome position: GRCh38 VCF-style: chr10-86699239-TTCTCTCTCTCTC-T. GRCh37 (hg19) VCF-style: chr10-88458996-TTCTCTCTCTCTC-T.
Other names: c.896+6669TC[8] (NM_001368064.1, NM_001368065.1); c.897-38TC[8] (NM_001368063.1, NM_001080115.2); c.756-38TC[8] (NM_001368068.1, NM_001368067.1, NM_001080116.1); c.1100+6669TC[8] (NM_001171610.2); c.755+6669TC[8] (NM_001368066.1, NM_001080114.2); c.1101-38TC[8] (NM_001171611.2).
Identifiers: ClinVar variation 3041152 (VCV003041152.2), dbSNP rs71019410, ClinGen allele CA669464046.

ClinVar aggregate classification (germline): Likely benign (0 of 4 stars; one submission).

Conditions:
LDB3-related disorder. Also called: LDB3-related condition.

Submission:

PreventionGenetics, part of Exact Sciences
Classification: Likely benign for LDB3-related condition. Last evaluated: 2019-09-11. Review status: no assertion criteria provided. Collection method: clinical testing. Allele origin: germline.
Comment: This variant is classified as likely benign based on ACMG/AMP sequence variant interpretation guidelines (Richards et al. 2015 PMID: 25741868, with internal and published modifications).